The following is an entry in ClinVar:

ClinVar aggregate classification (germline): Uncertain significance. Review status: criteria provided, multiple submitters, no conflicts (2 of 4 stars). 2 submissions from 2 submitters: Uncertain significance (2). Last evaluated 2024-06-17.

Conditions:
Joubert syndrome. Also called: CEREBELLOPARENCHYMAL DISORDER IV; JOUBERT-BOLTSHAUSER SYNDROME; Familial aplasia of the vermis. Identifiers: Orphanet 475, MedGen C5979921, MONDO:0018772.
Meckel-Gruber syndrome. Also called: DYSENCEPHALIA SPLANCHNOCYSTICA; GRUBER SYNDROME; Dysencephalia splachnocystica. Identifiers: Orphanet 564, MedGen C0265215, MONDO:0018921.
Inborn genetic diseases. Identifiers: MedGen C0950123, MeSH D030342.

Allele frequency attached by ClinVar (database versions not stated): gnomAD exomes below 0.00001; TOPMed below 0.00001.
gnomAD v4.1: 6 of 1,614,244 alleles (0.00037%); highest among the groups gnomAD compares: Admixed American, 0.0083%; no homozygotes.

Submissions (2):

Ambry Genetics
Classification: Uncertain significance for Inborn genetic diseases. Last evaluated: 2024-06-17. Review status: criteria provided, single submitter. Criteria: Ambry Variant Classification Scheme 2023. Collection method: clinical testing. Allele origin: germline.

Labcorp Genetics (formerly Invitae), Labcorp
Classification: Uncertain significance for Joubert syndrome; Meckel-Gruber syndrome. Last evaluated: 2022-07-23. Review status: criteria provided, single submitter. Criteria: Invitae Variant Classification Sherloc (09022015). Collection method: clinical testing. Allele origin: germline.
Comment: Algorithms developed to predict the effect of missense changes on protein structure and function (SIFT, PolyPhen-2, Align-GVGD) all suggest that this variant is likely to be tolerated. In summary, the available evidence is currently insufficient to determine the role of this variant in disease. Therefore, it has been classified as a Variant of Uncertain Significance. ClinVar contains an entry for this variant (Variation ID: 1432453). This variant has not been reported in the literature in individuals affected with TCTN1-related conditions. This variant is not present in population databases (gnomAD no frequency). This sequence change replaces leucine, which is neutral and non-polar, with isoleucine, which is neutral and non-polar, at codon 344 of the TCTN1 protein (p.Leu344Ile).

NM_001082538.3(TCTN1):c.1030C>A (p.Leu344Ile)

Gene: TCTN1 (tectonic family member 1; plus strand). Cytogenetic location: 12q24.11.
Variant type: single nucleotide variant.
Coding change: c.1030C>A on transcript NM_001082538.3 (MANE Select); coding-DNA position 1030, C replaced by A.
Protein change: p.Leu344Ile; replaces leucine 344 with isoleucine.
Molecular consequence: missense variant. On other transcripts: non-coding transcript variant (1).
Genome position (GRCh38, 1-based): chr12:110,641,075, C>A. VCF-style: chr12-110641075-C-A. GRCh37 (hg19) VCF-style: chr12-111078880-C-A.
Other names: c.1030C>A (NM_001082538.2); c.1030C>A, p.Leu344Ile (NM_001082537.3, NM_001319680.2); c.862C>A, p.Leu288Ile (NM_001173975.3); c.850C>A, p.Leu284Ile (NM_001173976.2); c.496C>A, p.Leu166Ile (NM_001319681.2); c.988C>A, p.Leu330Ile (NM_024549.6); short protein forms L284I, L330I, L288I, L166I, L344I.
Identifiers: ClinVar variation 1432453 (VCV001432453.7), dbSNP rs1056341678, ClinGen allele CA386704943.